The following is an entry in ClinVar:

ClinVar aggregate classification (germline): Uncertain significance. Review status: criteria provided, multiple submitters, no conflicts (2 of 4 stars). 3 submissions from 3 submitters: Uncertain significance (3). Last evaluated 2025-01-21.

Conditions:
Inborn genetic diseases. Identifiers: MedGen C0950123, MeSH D030342.

Allele frequency attached by ClinVar (database versions not stated): ExAC 0.00006; 1000 Genomes Project 30x 0.00016; 1000 Genomes Project 0.00020.
gnomAD v4.1: 47 of 1,613,212 alleles (0.0029%); highest among the groups gnomAD compares: Admixed American, 0.01%; no homozygotes.

Submissions (3):

Ambry Genetics
Classification: Uncertain significance for Inborn genetic diseases. Last evaluated: 2025-01-21. Review status: criteria provided, single submitter. Criteria: Ambry Variant Classification Scheme 2023. Collection method: clinical testing. Allele origin: germline.

Labcorp Genetics (formerly Invitae), Labcorp
Classification: Uncertain significance. Last evaluated: 2022-09-10. Review status: criteria provided, single submitter. Criteria: Invitae Variant Classification Sherloc (09022015). Collection method: clinical testing. Allele origin: germline.
Comment: In summary, the available evidence is currently insufficient to determine the role of this variant in disease. Therefore, it has been classified as a Variant of Uncertain Significance. Advanced modeling of protein sequence and biophysical properties (such as structural, functional, and spatial information, amino acid conservation, physicochemical variation, residue mobility, and thermodynamic stability) performed at Invitae indicates that this missense variant is expected to disrupt SEPT9 protein function. This variant has not been reported in the literature in individuals affected with SEPT9-related conditions. This variant is present in population databases (rs557154026, gnomAD 0.01%). This sequence change replaces arginine, which is basic and polar, with glutamine, which is neutral and polar, at codon 272 of the SEPT9 protein (p.Arg272Gln).

Blueprint Genetics
Classification: Uncertain significance. Last evaluated: 2021-04-30. Review status: criteria provided, single submitter. Criteria: ACMG Guidelines, 2015. Collection method: clinical testing. Allele origin: germline.

NM_001113491.2(SEPTIN9):c.869G>A (p.Arg290Gln)

Gene: SEPTIN9 (septin 9; plus strand). Cytogenetic location: 17q25.3.
Variant type: single nucleotide variant.
Coding change: c.869G>A on transcript NM_001113491.2 (MANE Select); coding-DNA position 869, G replaced by A.
Protein change: p.Arg290Gln; replaces arginine 290 with glutamine.
Molecular consequence: missense variant.
Genome position (GRCh38, 1-based): chr17:77,482,291, G>A. VCF-style: chr17-77482291-G-A. GRCh37 (hg19) VCF-style: chr17-75478373-G-A.
Other names: c.815G>A (NM_006640.4); c.377G>A, p.Arg126Gln (NM_001113492.2, NM_001113494.1); c.848G>A, p.Arg283Gln (NM_001113493.2); c.116G>A, p.Arg39Gln (NM_001113495.2, NM_001113496.2, NM_001293697.2 and 1 more transcripts); c.812G>A, p.Arg271Gln (NM_001293695.2); c.197G>A, p.Arg66Gln (NM_001293696.2); c.815G>A, p.Arg272Gln (NM_006640.5); short protein forms R126Q, R271Q, R272Q, R283Q, R290Q, R39Q, R66Q.
Identifiers: ClinVar variation 2445473 (VCV002445473.6), dbSNP rs557154026, ClinGen allele CA8793543.